The following is an entry in ClinVar:

NM_004655.4(AXIN2):c.1589A>C (p.Glu530Ala)

Gene: AXIN2 (axin 2; minus strand). Cytogenetic location: 17q24.1.
Variant type: single nucleotide variant.
Coding change: c.1589A>C on transcript NM_004655.4 (MANE Select); coding-DNA position 1589, A replaced by C.
Protein change: p.Glu530Ala; replaces glutamic acid 530 with alanine.
Molecular consequence: missense variant.
Genome position (GRCh38, 1-based): chr17:65,537,447, T>G on the plus strand (A>C on the coding strand, the complement: AXIN2 is on the minus strand). VCF-style: chr17-65537447-T-G. GRCh37 (hg19) VCF-style: chr17-63533565-T-G.
Other names: c.1589A>C, p.Glu530Ala (NM_001363813.1); c.1589A>C (NM_004655.3); short protein forms E530A.
Identifiers: ClinVar variation 1480065 (VCV001480065.9), dbSNP rs753046140, ClinGen allele CA8718609.
Genomic context (GRCh38, chr17:65,537,447, plus strand): 5'-TAATACTCGCTGCCCCCAGGGCAGAAGCAGTGCACCCGCTGCGTGGCCTCCGCCTCGATC[T>G]CCTCCTTGGTCTTGGGGACGGCATGGTGGTGGATGTAGTGGTGGTGGACATGCTTCGTCG-3'
Protein context (NP_004646.3, residues 520-540): HHHAVPKTKE[Glu530Ala]IEAEATQRVH

ClinVar aggregate classification (germline): Uncertain significance. Review status: criteria provided, multiple submitters, no conflicts (2 of 4 stars). 2 submissions from 2 submitters: Uncertain significance (2). Last evaluated 2025-02-20.

Conditions:
Hereditary cancer-predisposing syndrome. Also called: Tumor predisposition; Hereditary Cancer Syndrome; Hereditary neoplastic syndrome; Neoplastic Syndromes, Hereditary. Identifiers: Orphanet 140162, MedGen C0027672, MeSH D009386, MONDO:0015356.
Oligodontia-cancer predisposition syndrome. Also called: TOOTH AGENESIS-COLORECTAL CANCER SYNDROME. Identifiers: Orphanet 300576, MedGen C1837750, MONDO:0012075, OMIM 608615. Disease mechanism: loss of function.

Allele frequency attached by ClinVar (database versions not stated): gnomAD exomes below 0.00001; ExAC 0.00001.
gnomAD v4.1: 1 of 1,613,914 alleles (0.000062%); highest among the groups gnomAD compares: Non-Finnish European, 0.000085%; no homozygotes.

Submissions (2):

Ambry Genetics
Classification: Uncertain significance for Hereditary cancer-predisposing syndrome. Last evaluated: 2025-02-20. Review status: criteria provided, single submitter. Criteria: Ambry Variant Classification Scheme 2023. Collection method: clinical testing. Allele origin: germline.
Comment: The p.E530A variant (also known as c.1589A>C), located in coding exon 5 of the AXIN2 gene, results from an A to C substitution at nucleotide position 1589. The glutamic acid at codon 530 is replaced by alanine, an amino acid with dissimilar properties. This amino acid position is conserved. In addition, this alteration is predicted to be tolerated by in silico analysis. Based on the available evidence, the clinical significance of this variant remains unclear.

Labcorp Genetics (formerly Invitae), Labcorp
Classification: Uncertain significance for Oligodontia-cancer predisposition syndrome. Last evaluated: 2020-12-14. Review status: criteria provided, single submitter. Criteria: Invitae Variant Classification Sherloc (09022015). Collection method: clinical testing. Allele origin: germline.
Comment: In summary, the available evidence is currently insufficient to determine the role of this variant in disease. Therefore, it has been classified as a Variant of Uncertain Significance. Algorithms developed to predict the effect of missense changes on protein structure and function are either unavailable or do not agree on the potential impact of this missense change (SIFT: "Deleterious"; PolyPhen-2: "Benign"; Align-GVGD: "Class C0"). This variant has not been reported in the literature in individuals with AXIN2-related conditions. This variant is present in population databases (rs753046140, ExAC 0.001%). This sequence change replaces glutamic acid with alanine at codon 530 of the AXIN2 protein (p.Glu530Ala). The glutamic acid residue is moderately conserved and there is a moderate physicochemical difference between glutamic acid and alanine.